The following is an entry in ClinVar:

ClinVar aggregate classification (germline): Likely benign (1 of 4 stars; one submission).

Allele frequency attached by ClinVar (database versions not stated): gnomAD exomes 0.00033; gnomAD 0.00052; TOPMed 0.00065.
gnomAD v4.1: 328 of 912,806 alleles (0.036%); highest among the groups gnomAD compares: Middle Eastern, 0.34%; no homozygotes.

Submission:

CeGaT Center for Human Genetics Tuebingen
Classification: Likely benign. Last evaluated: 2023-01-01. Review status: criteria provided, single submitter. Criteria: CeGaT Center For Human Genetics Tuebingen Variant Classification Criteria Version 2. Collection method: clinical testing. Allele origin: germline. Affected: yes. Observed: 3 variant alleles.
Comment: DDX3X: BS2

NM_001356.5(DDX3X):c.45+503G>A

Gene: DDX3X (DEAD-box helicase 3 X-linked; plus strand). Cytogenetic location: Xp11.4.
Variant type: single nucleotide variant.
Coding change: c.45+503G>A on transcript NM_001356.5 (MANE Select); 503 bases into the intron after coding-DNA position 45, G replaced by A.
Molecular consequence: intron variant.
Genome position (GRCh38, 1-based): chrX:41,334,800, G>A. VCF-style: chrX-41334800-G-A. GRCh37 (hg19) VCF-style: chrX-41194053-G-A.
Other names: c.45+503G>A (NM_001193416.3, NM_001193417.3); c.-1859+503G>A (NM_001363819.1).
Identifiers: ClinVar variation 2660338 (VCV002660338.24), dbSNP rs868824668, ClinGen allele CA329014813.